The following is an entry in ClinVar:

NM_152564.5(VPS13B):c.4746-15T>C

Gene: VPS13B (vacuolar protein sorting 13 homolog B; plus strand). Cytogenetic location: 8q22.2.
Variant type: single nucleotide variant.
Coding change: c.4746-15T>C on transcript NM_152564.5 (MANE Select); 15 bases into the intron before coding-DNA position 4746, T replaced by C.
Molecular consequence: intron variant.
Genome position (GRCh38, 1-based): chr8:99,556,435, T>C. VCF-style: chr8-99556435-T-C. GRCh37 (hg19) VCF-style: chr8-100568663-T-C.
Other names: c.4821-15T>C (NM_017890.5).
Identifiers: ClinVar variation 911458 (VCV000911458.41), dbSNP rs117058417, ClinGen allele CA4823649.
Genomic context (GRCh38, chr8:99,556,435, plus strand): 5'-GAACAAAATAAACATAGAATGGTTATTTTATCTGTTTTCTTGTTTTTATTTTTGTTTTTT[T>C]CGCTGCCTTTACAGGAGAGCCTTGAACTTAGGAATTCTTCGAGATCCTGGATCAGAAATC-3'

ClinVar aggregate classification (germline): Benign/Likely benign. Review status: criteria provided, multiple submitters, no conflicts (2 of 4 stars). 6 submissions from 6 submitters: Benign (2); Likely benign (4). Last evaluated 2026-07-01.

Conditions:
Cohen syndrome (COH1). Also called: PEPPER SYNDROME; Cutis verticis gyrata, retinitis pigmentosa, and sensorineural deafness. Identifiers: Orphanet 193, MedGen C0265223, MONDO:0008999, OMIM 216550.

Allele frequency attached by ClinVar (database versions not stated): 1000 Genomes Project 0.00080; 1000 Genomes Project 30x 0.00109; TOPMed 0.00233; ESP Exome Variant Server 0.00246; gnomAD 0.00260 and 0.00272.
gnomAD v4.1: 6,059 of 1,611,256 alleles (0.38%); highest among the groups gnomAD compares: Non-Finnish European, 0.48%; 11 homozygotes.

Submissions (6):

CeGaT Center for Human Genetics Tuebingen
Classification: Likely benign. Last evaluated: 2026-07-01. Review status: criteria provided, single submitter. Criteria: CeGaT Center For Human Genetics Tuebingen Variant Classification Criteria Version 2. Collection method: clinical testing. Allele origin: germline. Affected: yes. Observed: 13 variant alleles.
Comment: VPS13B: BS2

Labcorp Genetics (formerly Invitae), Labcorp
Classification: Benign for Cohen syndrome. Last evaluated: 2026-02-01. Review status: criteria provided, single submitter. Criteria: Invitae Variant Classification Sherloc (09022015). Collection method: clinical testing. Allele origin: germline.

Women's Health and Genetics/Laboratory Corporation of America, LabCorp
Classification: Benign. Last evaluated: 2026-01-29. Review status: criteria provided, single submitter. Criteria: LabCorp Variant Classification Summary - May 2015. Collection method: clinical testing. Allele origin: germline.
Comment: Variant summary: VPS13B c.4821-15T>C alters a nucleotide located at a position not widely known to affect splicing. Consensus agreement among computation tools predict no significant impact on normal splicing. However, these predictions have yet to be confirmed by functional studies. The variant allele was found at a frequency of 0.003 in 246994 control chromosomes in the gnomAD database, including 3 homozygotes. The observed variant frequency exceeds the estimated maximal expected allele frequency for disease-causing variants in VPS13B. To our knowledge, no occurrence of c.4821-15T>C in individuals affected with VPS13B-related conditions and no experimental evidence demonstrating its impact on protein function have been reported. ClinVar contains an entry for this variant (Variation ID: 911458). Based on the evidence outlined above, the variant was classified as benign.

Blueprint Genetics
Classification: Likely benign. Last evaluated: 2024-11-19. Review status: criteria provided, single submitter. Criteria: ACMG Guidelines, 2015. Collection method: clinical testing. Allele origin: germline.

Illumina Laboratory Services, Illumina
Classification: Likely benign for Cohen syndrome. Last evaluated: 2018-01-12. Review status: criteria provided, single submitter. Criteria: ICSL Variant Classification Criteria 13 December 2019. Collection method: clinical testing. Allele origin: germline.
Comment: This variant was observed in the ICSL laboratory as part of a predisposition screen in an ostensibly healthy population. It had not been previously curated by ICSL or reported in the Human Gene Mutation Database (HGMD: prior to June 1st, 2018), and was therefore a candidate for classification through an automated scoring system. Utilizing variant allele frequency, disease prevalence and penetrance estimates, and inheritance mode, an automated score was calculated to assess if this variant is too frequent to cause the disease. Based on the score and internal cut-off values, a variant classified as likely benign is not then subjected to further curation. The score for this variant resulted in a classification of likely benign for this disease.

Breakthrough Genomics
Classification: Likely benign. Review status: criteria provided, single submitter. Criteria: ACMG Guidelines, 2015. Collection method: not provided. Allele origin: germline. Inheritance: Autosomal recessive inheritance. Affected: yes.